The following is an entry in ClinVar:

ClinVar aggregate classification (germline): Uncertain significance (1 of 4 stars; one submission).

Conditions:
ISL1-related disorder. Also called: ISL1-related condition.

gnomAD v4.1: 63 of 1,588,904 alleles (0.004%); highest among the groups gnomAD compares: Admixed American, 0.0083%; no homozygotes.

Submission:

PreventionGenetics, part of Exact Sciences
Classification: Uncertain significance for ISL1-related condition. Last evaluated: 2026-08-22. Review status: criteria provided, single submitter. Criteria: ACMG Guidelines, 2015. Collection method: clinical testing. Allele origin: germline.
Comment: The ISL1 c.1039A>G variant is predicted to result in the amino acid substitution p.Ile347Val. This variant was reported in the heterozygous state in an individual with childhood-onset combined pituitary hormone deficiency (CPHD) but was inherited from a healthy parent (Hietamäki et al. 2022. PubMed ID: 35875813). A different variant that affects this same amino acid (p.Ile347Phe) has been reported in the heterozygous state in an individual with early-onset severe obesity (Loid et al. 2020. PubMed ID: 32153512). This variant is reported in 0.011% of alleles in individuals of Latino descent in gnomAD. At this time, the clinical significance of c.1039A>G (p.Ile347Val) is uncertain due to the absence of conclusive functional and genetic evidence.

NM_002202.3(ISL1):c.1039A>G (p.Ile347Val)

Gene: ISL1 (ISL LIM homeobox 1; plus strand). Cytogenetic location: 5q11.1.
Variant type: single nucleotide variant.
Coding change: c.1039A>G on transcript NM_002202.3 (MANE Select); coding-DNA position 1039, A replaced by G.
Protein change: p.Ile347Val; replaces isoleucine 347 with valine.
Molecular consequence: missense variant.
Genome position (GRCh38, 1-based): chr5:51,393,599, A>G. VCF-style: chr5-51393599-A-G. GRCh37 (hg19) VCF-style: chr5-50689433-A-G.
Other names: short protein forms I347V.
Identifiers: ClinVar variation 3353209 (VCV003353209.2).
Genomic context (GRCh38, chr5:51,393,599, plus strand): 5'-GAAGTAGCATCAATGTCCTCTCAACTTCCAGATACACCTAACAGCATGGTAGCCAGTCCT[A>G]TTGAGGCATGAGGAACATTCATTCTGTATTTTTTTTCCCTGTTGGAGAAAGTGGGAAATT-3'
Protein context (NP_002193.2, residues 337-349): DTPNSMVASP[Ile347Val]EA